The following is an entry in ClinVar:

ClinVar aggregate classification (germline): Likely pathogenic (1 of 4 stars; one submission).

gnomAD v4.1: 1 of 1,614,152 alleles (0.000062%); highest among the groups gnomAD compares: Non-Finnish European, 0.000085%; no homozygotes.

Submission:

Labcorp Genetics (formerly Invitae), Labcorp
Classification: Likely pathogenic. Last evaluated: 2024-05-31. Review status: criteria provided, single submitter. Criteria: Invitae Variant Classification Sherloc (09022015). Collection method: clinical testing. Allele origin: germline.
Comment: This sequence change affects an acceptor splice site in intron 49 of the COL27A1 gene. It is expected to disrupt RNA splicing. Variants that disrupt the donor or acceptor splice site typically lead to a loss of protein function (PMID: 16199547), and loss-of-function variants in COL27A1 are known to be pathogenic (PMID: 24986830, 28276056). This variant is not present in population databases (gnomAD no frequency). This variant has not been reported in the literature in individuals affected with COL27A1-related conditions. Algorithms developed to predict the effect of sequence changes on RNA splicing suggest that this variant may disrupt the consensus splice site. In summary, the currently available evidence indicates that the variant is pathogenic, but additional data are needed to prove that conclusively. Therefore, this variant has been classified as Likely Pathogenic.

Literature cited by the submitters: PubMed 16199547; PubMed 24986830; PubMed 28276056.

NM_032888.4(COL27A1):c.4585-2A>G

Gene: COL27A1 (collagen type XXVII alpha 1 chain; plus strand). Cytogenetic location: 9q32.
Variant type: single nucleotide variant.
Coding change: c.4585-2A>G on transcript NM_032888.4 (MANE Select); the canonical splice acceptor site of the intron before coding-DNA position 4585, A replaced by G.
Molecular consequence: splice acceptor variant.
Genome position (GRCh38, 1-based): chr9:114,300,068, A>G. VCF-style: chr9-114300068-A-G. GRCh37 (hg19) VCF-style: chr9-117062348-A-G.
Identifiers: ClinVar variation 3655218 (VCV003655218.2).